The following is an entry in ClinVar:

ClinVar aggregate classification (germline): Pathogenic. Review status: criteria provided, multiple submitters, no conflicts (2 of 4 stars). 2 submissions from 2 submitters: Pathogenic (2). Last evaluated 2023-09-30.

Conditions:
Severe combined immunodeficiency, autosomal recessive, T cell-negative, B cell-negative, NK cell-positive. Also called: SCID, T CELL-NEGATIVE, B CELL-NEGATIVE, NK CELL-POSITIVE; SCID, AR, T-cell negative, B-cell negative, NK cell-positive; Severe combined immunodeficiency due to complete RAG1/2 deficiency. Identifiers: Orphanet 331206, MedGen C1832322, MONDO:0011086, OMIM 601457.
Combined immunodeficiency with skin granulomas. Identifiers: Orphanet 157949, MedGen C2673536, MONDO:0009306, OMIM 233650.
Combined immunodeficiency due to partial RAG1 deficiency. Identifiers: Orphanet 231154, MedGen C1835931, MONDO:0012359, OMIM 609889.

Allele frequency attached by ClinVar (database versions not stated): TOPMed below 0.00001; ExAC 0.00001; gnomAD 0.00001; gnomAD exomes 0.00003.
gnomAD v4.1: 40 of 1,614,044 alleles (0.0025%); highest among the groups gnomAD compares: Non-Finnish European, 0.0034%; no homozygotes.

Submissions (2):

Baylor Genetics
Classification: Pathogenic for Combined immunodeficiency due to partial RAG1 deficiency. Last evaluated: 2023-09-30. Review status: criteria provided, single submitter. Criteria: ACMG Guidelines, 2015. Collection method: clinical testing. Allele origin: unknown.

Labcorp Genetics (formerly Invitae), Labcorp
Classification: Pathogenic for Combined immunodeficiency with skin granulomas; Severe combined immunodeficiency, autosomal recessive, T cell-negative, B cell-negative, NK cell-positive. Last evaluated: 2023-05-26. Review status: criteria provided, single submitter. Criteria: Invitae Variant Classification Sherloc (09022015). Collection method: clinical testing. Allele origin: germline.
Comment: This sequence change creates a premature translational stop signal (p.Leu872*) in the RAG1 gene. While this is not anticipated to result in nonsense mediated decay, it is expected to disrupt the last 172 amino acid(s) of the RAG1 protein. This variant is present in population databases (rs749360497, gnomAD 0.0009%). This premature translational stop signal has been observed in individuals with severe combined immunodeficiency (PMID: 11133745). This variant disrupts a region of the RAG1 protein in which other variant(s) (p.Lys992Glu) have been determined to be pathogenic (PMID: 11313270, 18442948, 24290284). This suggests that this is a clinically significant region of the protein, and that variants that disrupt it are likely to be disease-causing. For these reasons, this variant has been classified as Pathogenic.

Literature cited by the submitters: PubMed 11133745 (cited by Labcorp Genetics (formerly Invitae), Labcorp); PubMed 11313270 (cited by Labcorp Genetics (formerly Invitae), Labcorp); PubMed 18442948 (cited by Labcorp Genetics (formerly Invitae), Labcorp); PubMed 24290284 (cited by Labcorp Genetics (formerly Invitae), Labcorp).

NM_000448.3(RAG1):c.2615T>A (p.Leu872Ter)

Gene: RAG1 (recombination activating 1; plus strand). Cytogenetic location: 11p12.
Variant type: single nucleotide variant.
Coding change: c.2615T>A on transcript NM_000448.3 (MANE Select); coding-DNA position 2615, T replaced by A.
Protein change: p.Leu872Ter; replaces leucine 872 with a stop codon.
Molecular consequence: nonsense.
Genome position (GRCh38, 1-based): chr11:36,575,919, T>A. VCF-style: chr11-36575919-T-A. GRCh37 (hg19) VCF-style: chr11-36597469-T-A.
Other names: c.2615T>A, p.Leu872Ter (NM_001377277.1, NM_001377278.1, NM_001377279.1 and 1 more transcripts); short protein forms L872*.
Identifiers: ClinVar variation 2678195 (VCV002678195.4), dbSNP rs749360497, ClinGen allele CA5950298.